The following is an entry in ClinVar:

NM_000238.4(KCNH2):c.3136del (p.Gln1046fs)

Gene: KCNH2 (potassium voltage-gated channel subfamily H member 2; minus strand). Cytogenetic location: 7q36.1.
Variant type: Deletion.
Coding change: c.3136del on transcript NM_000238.4 (MANE Select); coding-DNA position 3136, one base deleted (C; older notation c.3136delC).
Protein change: p.Gln1046fs; shifts the reading frame from glutamine 1046.
Molecular consequence: frameshift variant.
Genome position (GRCh38, 1-based): chr7:150,947,344, G deleted on the plus strand (C on the coding strand, the reverse complement: KCNH2 is on the minus strand); the first of 2 consecutive G bases (chr7:150,947,344-150,947,345); deleting either gives the same sequence. VCF-style (leftmost placement, unchanged base first): chr7-150947343-TG-T. GRCh37 (hg19) VCF-style: chr7-150644431-TG-T.
Other names: c.2116del, p.Gln706fs (NM_172057.3); short protein forms Q1046fs, Q706fs.
Identifiers: ClinVar variation 200709 (VCV000200709.3), dbSNP rs794728472, ClinGen allele CA008026.

ClinVar aggregate classification (germline): Pathogenic (1 of 4 stars; one submission).

Conditions:
Cardiac arrhythmia. Also called: Arrhythmia; Cardiac rhythm disease. Identifiers: MedGen C0003811, MONDO:0007263, HP:0011675.

Submission:

GeneDx
Classification: Pathogenic for Cardiac arrhythmia. Last evaluated: 2014-09-29. Review status: criteria provided, single submitter. Criteria: GeneDx Variant Classification (06012015). Collection method: clinical testing. Allele origin: germline. Affected: yes.
Comment: The c.3136delC mutation in the KCNH2 gene has not been reported to our knowledge, this mutation causes a shift in reading frame starting at codon Glutamine 1046, changing it to a Serine, and creating a premature stop codon at position 11 of the new reading frame, denoted p.Gln1046SerfsX11. This mutation is expected to result in an abnormal, truncated protein product. Other frameshift mutations in the KCNH2 gene have been reported in association with LQTS. The variant is found in HERG panel(s).